The following is an entry in ClinVar:

ClinVar aggregate classification (germline): Pathogenic/Likely pathogenic. Review status: criteria provided, multiple submitters, no conflicts (2 of 4 stars). 4 submissions from 4 submitters: Pathogenic (2); Likely pathogenic (2). Last evaluated 2025-12-13.

Conditions:
PRPF8-related disorder. Also called: PRPF8-related condition.
Retinal dystrophy. Also called: Inherited retinal dystrophy. Identifiers: Orphanet 71862, MedGen C0854723, MeSH D058499, MONDO:0019118, HP:0000556.

Submissions (4):

Labcorp Genetics (formerly Invitae), Labcorp
Classification: Pathogenic. Last evaluated: 2025-12-13. Review status: criteria provided, single submitter. Criteria: Invitae Variant Classification Sherloc (09022015). Collection method: clinical testing. Allele origin: germline.
Comment: This sequence change replaces proline, which is neutral and non-polar, with serine, which is neutral and polar, at codon 2301 of the PRPF8 protein (p.Pro2301Ser). This variant is not present in population databases (gnomAD no frequency). This missense change has been observed in individuals with autosomal dominant retinitis pigmentosa (PMID: 17061239, 23950152). It has also been observed to segregate with disease in related individuals. ClinVar contains an entry for this variant (Variation ID: 867220). Invitae Evidence Modeling of protein sequence and biophysical properties (such as structural, functional, and spatial information, amino acid conservation, physicochemical variation, residue mobility, and thermodynamic stability) indicates that this missense variant is expected to disrupt PRPF8 protein function with a positive predictive value of 80%. For these reasons, this variant has been classified as Pathogenic.

GeneDx
Classification: Likely pathogenic. Last evaluated: 2024-05-13. Review status: criteria provided, single submitter. Criteria: GeneDx Variant Classification Process June 2021. Collection method: clinical testing. Allele origin: germline. Affected: yes.
Comment: Not observed at significant frequency in large population cohorts (gnomAD); In silico analysis supports that this missense variant has a deleterious effect on protein structure/function; This variant is associated with the following publications: (PMID: 30572641, 38234607, 23704370, 17317632, 23950152, 36460718, 15994872, 37510321, 17061239)

Dept Of Ophthalmology, Nagoya University
Classification: Likely pathogenic for Retinal dystrophy. Last evaluated: 2023-10-01. Review status: criteria provided, single submitter. Criteria: Submitter's publication. Collection method: research. Allele origin: germline. Affected: yes.

Blueprint Genetics
Classification: Pathogenic for PRPF8-related disorders. Last evaluated: 2022-05-02. Review status: criteria provided, single submitter. Criteria: ACMG Guidelines, 2015. Collection method: clinical testing. Allele origin: germline. Affected: yes. Observed: 4 variant alleles.

Literature cited by the submitters: PubMed 17061239 (cited by Labcorp Genetics (formerly Invitae), Labcorp); PubMed 23950152 (cited by Labcorp Genetics (formerly Invitae), Labcorp).

NM_006445.4(PRPF8):c.6901C>T (p.Pro2301Ser)

Gene: PRPF8 (pre-mRNA processing factor 8; minus strand). Cytogenetic location: 17p13.3.
Variant type: single nucleotide variant.
Coding change: c.6901C>T on transcript NM_006445.4 (MANE Select); coding-DNA position 6901, C replaced by T.
Protein change: p.Pro2301Ser; replaces proline 2301 with serine.
Molecular consequence: missense variant.
Genome position (GRCh38, 1-based): chr17:1,650,909, G>A on the plus strand (C>T on the coding strand, the complement: PRPF8 is on the minus strand). VCF-style: chr17-1650909-G-A. GRCh37 (hg19) VCF-style: chr17-1554203-G-A.
Other names: short protein forms P2301S.
Identifiers: ClinVar variation 867220 (VCV000867220.11), dbSNP rs121434239, ClinGen allele CA397562239.
Genomic context (GRCh38, chr17:1,650,909, plus strand): 5'-GCAGGAGAGCAAAGTTGAGGAAGTGAGAGGGCCTGTGCACCTCGTGGTAGAACTCTTTGG[G>A]GTTCGCCAGCTGTAGCTCATATTTCATGTTGGGGTCATGCCGAACACCTTCGGGGAGAAG-3'
Protein context (NP_006436.3, residues 2291-2311): NMKYELQLAN[Pro2301Ser]KEFYHEVHRP